The following is an entry in ClinVar:

ClinVar aggregate classification (germline): Uncertain significance. Review status: criteria provided, multiple submitters, no conflicts (2 of 4 stars). 2 submissions from 2 submitters: Uncertain significance (2). Last evaluated 2026-02-19.

Conditions:
X-linked myopathy with postural muscle atrophy. Also called: FHL1-Related Emery-Dreifuss Muscular Dystrophy, X-Linked. Identifiers: Orphanet 178461, MedGen C2678055, MONDO:0010401, OMIM 300696.
Cardiovascular phenotype. Identifiers: MedGen CN230736.

Submissions (2):

Ambry Genetics
Classification: Uncertain significance for Cardiovascular phenotype. Last evaluated: 2026-02-19. Review status: criteria provided, single submitter. Criteria: Ambry Variant Classification Scheme 2023. Collection method: clinical testing. Allele origin: germline.
Comment: The p.I108F variant (also known as c.322A>T), located in coding exon 2 of the FHL1 gene, results from an A to T substitution at nucleotide position 322. The isoleucine at codon 108 is replaced by phenylalanine, an amino acid with highly similar properties. This amino acid position is conserved. In addition, the in silico prediction for this alteration is inconclusive. Based on the available evidence, the clinical significance of this variant remains unclear.

Labcorp Genetics (formerly Invitae), Labcorp
Classification: Uncertain significance for X-linked myopathy with postural muscle atrophy. Last evaluated: 2025-08-29. Review status: criteria provided, single submitter. Criteria: Invitae Variant Classification Sherloc (09022015). Collection method: clinical testing. Allele origin: germline.
Comment: This sequence change replaces isoleucine, which is neutral and non-polar, with phenylalanine, which is neutral and non-polar, at codon 108 of the FHL1 protein (p.Ile108Phe). This variant is not present in population databases (gnomAD no frequency). This variant has not been reported in the literature in individuals affected with FHL1-related conditions. An algorithm developed to predict the effect of missense changes on protein structure and function (PolyPhen-2) suggests that this variant is likely to be tolerated. In summary, the available evidence is currently insufficient to determine the role of this variant in disease. Therefore, it has been classified as a Variant of Uncertain Significance.

NM_001159699.2(FHL1):c.370A>T (p.Ile124Phe)

Gene: FHL1 (four and a half LIM domains 1; plus strand). Cytogenetic location: Xq26.3.
Variant type: single nucleotide variant.
Coding change: c.370A>T on transcript NM_001159699.2 (MANE Select); coding-DNA position 370, A replaced by T.
Protein change: p.Ile124Phe; replaces isoleucine 124 with phenylalanine.
Molecular consequence: missense variant. On other transcripts: non-coding transcript variant (1).
Genome position (GRCh38, 1-based): chrX:136,207,181, A>T. VCF-style: chrX-136207181-A-T. GRCh37 (hg19) VCF-style: chrX-135289340-A-T.
Other names: c.322A>T (NM_001449.4); c.322A>T, p.Ile108Phe (NM_001159700.2, NM_001159702.3, NM_001159703.2 and 9 more transcripts); c.409A>T, p.Ile137Phe (NM_001159701.2); c.370A>T, p.Ile124Phe (NM_001330659.2, NM_001440769.1); short protein forms I108F, I137F, I124F.
Identifiers: ClinVar variation 4742954 (VCV004742954.2).
Genomic context (GRCh38, chrX:136,207,181, plus strand): 5'-CTGTGCAACAAGTGCACCACTCGGGAGGACTCCCCCAAGTGCAAGGGGTGCTTCAAGGCC[A>T]TTGTGGCAGGTACTGCCTCCTTCCCACCCCGGGTTCCCAGGGAGGAGGCCCTGAGGGCAG-3'
Protein context (NP_001153171.1, residues 114-134): SPKCKGCFKA[Ile124Phe]VAGDQNVEYK